The following is an entry in ClinVar:

ClinVar aggregate classification (germline): Benign. Review status: criteria provided, single submitter (1 of 4 stars). 2 submissions from 1 submitter: Benign (2). Last evaluated 2018-01-13.

Conditions:
X-linked agammaglobulinemia (XLA). Also called: IMMUNODEFICIENCY 1; Agammaglobulinemia, Bruton tyrosine kinase; Agammaglobulinemia, BTK; BTK-deficiency; Bruton-type agammaglobulinemia; Bruton's agammaglobulinemia. Identifiers: Orphanet 229717, Orphanet 47, MedGen C0221026, MONDO:0010421, OMIM 300755.
X-linked agammaglobulinemia with growth hormone deficiency (IGHD3). Also called: AGAMMAGLOBULINEMIA AND ISOLATED GROWTH HORMONE DEFICIENCY, X-LINKED; FLEISHER SYNDROME; HYPOGAMMAGLOBULINEMIA AND ISOLATED GROWTH HORMONE DEFICIENCY, X-LINKED; IGHD III; Isolated growth hormone deficiency type 3; Growth hormone deficiency with hypogammaglobulinemia. Identifiers: Orphanet 231692, Orphanet 631, MedGen C0472813, MONDO:0010615, OMIM 307200.

Allele frequency attached by ClinVar (database versions not stated): gnomAD exomes 0.00044; 1000 Genomes Project 0.00318; gnomAD 0.00321 and 0.00340; 1000 Genomes Project 30x 0.00354; TOPMed 0.00359.
gnomAD v4.1: 484 of 421,263 alleles (0.11%); highest among the groups gnomAD compares: African/African-American, 1.1%; 6 homozygotes.

Submissions (2):

Illumina Laboratory Services, Illumina
Classification: Benign for X-linked agammaglobulinemia with growth hormone deficiency. Last evaluated: 2018-01-13. Review status: criteria provided, single submitter. Criteria: ICSL Variant Classification Criteria 13 December 2019. Collection method: clinical testing. Allele origin: germline.
Comment: This variant was observed in the ICSL laboratory as part of a predisposition screen in an ostensibly healthy population. It had not been previously curated by ICSL or reported in the Human Gene Mutation Database (HGMD: prior to June 1st, 2018), and was therefore a candidate for classification through an automated scoring system. Utilizing variant allele frequency, disease prevalence and penetrance estimates, and inheritance mode, an automated score was calculated to assess if this variant is too frequent to cause the disease. Based on the score and internal cut-off values, a variant classified as benign is not then subjected to further curation. The score for this variant resulted in a classification of benign for this disease.

Illumina Laboratory Services, Illumina
Classification: Benign for X-linked agammaglobulinemia. Last evaluated: 2018-01-13. Review status: criteria provided, single submitter. Criteria: ICSL Variant Classification Criteria 13 December 2019. Collection method: clinical testing. Allele origin: germline.
Comment: the same text as in the submission from Illumina Laboratory Services, Illumina above.

NM_000061.3(BTK):c.*221G>T

Gene: BTK (Bruton tyrosine kinase; minus strand). Cytogenetic location: Xq22.1.
Variant type: single nucleotide variant.
Coding change: c.*221G>T on transcript NM_000061.3 (MANE Select); 221 bases downstream of the stop codon, G replaced by T.
Molecular consequence: 3 prime UTR variant.
Genome position (GRCh38, 1-based): chrX:101,349,664, C>A on the plus strand (G>T on the coding strand, the complement: BTK is on the minus strand). VCF-style: chrX-101349664-C-A. GRCh37 (hg19) VCF-style: chrX-100604652-C-A.
Other names: c.*221G>T (NM_001287344.2, NM_001287345.2).
Identifiers: ClinVar variation 912392 (VCV000912392.4), dbSNP rs1122765, ClinGen allele CA333095863.